The following is an entry in ClinVar:

ClinVar aggregate classification (germline): Uncertain significance (1 of 4 stars; one submission).

Conditions:
Catecholaminergic polymorphic ventricular tachycardia 1. Also called: VENTRICULAR TACHYCARDIA, STRESS-INDUCED POLYMORPHIC 1; RYR2-Related Catecholaminergic Polymorphic Ventricular Tachycardia; VENTRICULAR TACHYCARDIA, CATECHOLAMINERGIC POLYMORPHIC, 1, WITH OR WITHOUT ATRIAL DYSFUNCTION AND/OR DILATED CARDIOMYOPATHY. Identifiers: Orphanet 3286, MedGen C1631597, MONDO:0011484, OMIM 604772.

Submission:

Labcorp Genetics (formerly Invitae), Labcorp
Classification: Uncertain significance for Catecholaminergic polymorphic ventricular tachycardia 1. Last evaluated: 2025-08-30. Review status: criteria provided, single submitter. Criteria: Invitae Variant Classification Sherloc (09022015). Collection method: clinical testing. Allele origin: germline.
Comment: This sequence change replaces methionine, which is neutral and non-polar, with isoleucine, which is neutral and non-polar, at codon 1113 of the RYR2 protein (p.Met1113Ile). This variant is not present in population databases (gnomAD no frequency). This variant has not been reported in the literature in individuals affected with RYR2-related conditions. Invitae Evidence Modeling of protein sequence and biophysical properties (such as structural, functional, and spatial information, amino acid conservation, physicochemical variation, residue mobility, and thermodynamic stability) indicates that this missense variant is not expected to disrupt RYR2 protein function with a negative predictive value of 95%. In summary, the available evidence is currently insufficient to determine the role of this variant in disease. Therefore, it has been classified as a Variant of Uncertain Significance.

NM_001035.3(RYR2):c.3339G>A (p.Met1113Ile)

Gene: RYR2 (ryanodine receptor 2; plus strand). Cytogenetic location: 1q43.
Variant type: single nucleotide variant.
Coding change: c.3339G>A on transcript NM_001035.3 (MANE Select); coding-DNA position 3339, G replaced by A.
Protein change: p.Met1113Ile; replaces methionine 1113 with isoleucine.
Molecular consequence: missense variant.
Genome position (GRCh38, 1-based): chr1:237,566,691, G>A. VCF-style: chr1-237566691-G-A. GRCh37 (hg19) VCF-style: chr1-237729991-G-A.
Other names: short protein forms M1113I.
Identifiers: ClinVar variation 4800068 (VCV004800068.1).